The following is an entry in ClinVar:

ClinVar aggregate classification (germline): Likely benign. Review status: criteria provided, multiple submitters, no conflicts (2 of 4 stars). 4 submissions from 4 submitters: Likely benign (3). 1 of the submissions does not count toward it. Last evaluated 2026-02-01.

Conditions:
Cardiovascular phenotype. Identifiers: MedGen CN230736.
MYH6-related disorder. Also called: MYH6-related condition; MYH6-Related Disorders.
Hypertrophic cardiomyopathy 14. Identifiers: MedGen C2750467, MONDO:0013197, OMIM 613251.

Allele frequency attached by ClinVar (database versions not stated): gnomAD exomes 0.00012; ExAC 0.00013; TOPMed 0.00014; gnomAD 0.00015 and 0.00016; ESP Exome Variant Server 0.00031.
gnomAD v4.1: 77 of 1,614,072 alleles (0.0048%); highest among the groups gnomAD compares: African/African-American, 0.041%; no homozygotes.

Submissions (4):

Labcorp Genetics (formerly Invitae), Labcorp
Classification: Likely benign for Hypertrophic cardiomyopathy 14. Last evaluated: 2026-02-01. Review status: criteria provided, single submitter. Criteria: Invitae Variant Classification Sherloc (09022015). Collection method: clinical testing. Allele origin: germline.

ARUP Laboratories, Molecular Genetics and Genomics, ARUP Laboratories
Classification: Likely benign. Last evaluated: 2025-01-15. Review status: criteria provided, single submitter. Criteria: ARUP Molecular Germline Variant Investigation Process 2024. Collection method: clinical testing. Allele origin: germline.

Ambry Genetics
Classification: Likely benign for Cardiovascular phenotype. Last evaluated: 2017-12-26. Review status: criteria provided, single submitter. Criteria: Ambry Variant Classification Scheme 2023. Collection method: clinical testing. Allele origin: germline.

PreventionGenetics, part of Exact Sciences
Classification: Likely benign for MYH6-related condition. Last evaluated: 2021-11-14. Review status: no assertion criteria provided. Collection method: clinical testing. Allele origin: germline. Not counted in ClinVar's aggregate classification.
Comment: This variant is classified as likely benign based on ACMG/AMP sequence variant interpretation guidelines (Richards et al. 2015 PMID: 25741868, with internal and published modifications).

NM_002471.4(MYH6):c.3894G>A (p.Ala1298=)

Gene: MYH6 (myosin heavy chain 6; minus strand). Cytogenetic location: 14q11.2.
Variant type: single nucleotide variant.
Coding change: c.3894G>A on transcript NM_002471.4 (MANE Select); coding-DNA position 3894, G replaced by A.
Protein change: p.Ala1298=; no amino-acid change (alanine 1298 retained).
Molecular consequence: synonymous variant.
Genome position (GRCh38, 1-based): chr14:23,389,477, C>T on the plus strand (G>A on the coding strand, the complement: MYH6 is on the minus strand). VCF-style: chr14-23389477-C-T. GRCh37 (hg19) VCF-style: chr14-23858686-C-T.
Identifiers: ClinVar variation 695558 (VCV000695558.15), dbSNP rs151135141, ClinGen allele CA7115027.